The following is an entry in ClinVar:

NM_032242.4(PLXNA1):c.2578C>T (p.Arg860Cys)

Gene: PLXNA1 (plexin A1; plus strand). Cytogenetic location: 3q21.3.
Variant type: single nucleotide variant.
Coding change: c.2578C>T on transcript NM_032242.4 (MANE Select); coding-DNA position 2578, C replaced by T.
Protein change: p.Arg860Cys; replaces arginine 860 with cysteine.
Molecular consequence: missense variant.
Genome position (GRCh38, 1-based): chr3:127,014,349, C>T. VCF-style: chr3-127014349-C-T. GRCh37 (hg19) VCF-style: chr3-126733192-C-T.
Other names: short protein forms R860C.
Identifiers: ClinVar variation 3348057 (VCV003348057.1).
Genomic context (GRCh38, chr3:127,014,349, plus strand): 5'-CGACACCACTGCGCTGCCGACACACCTGCATCGTGGATGCACGCGCGTCACGGCAGCAGT[C>T]GCTGCACCGACCCCAAGATCCTCAAGGTAGGGCCCCCAGCCCTGCCCCCACACCCCATGC-3'
Protein context (NP_115618.3, residues 850-870): SWMHARHGSS[Arg860Cys]CTDPKILKLS

ClinVar aggregate classification (germline): Uncertain significance (0 of 4 stars; one submission).

Conditions:
PLXNA1-related disorder. Also called: PLXNA1-related condition.

gnomAD v4.1: 4 of 1,594,326 alleles (0.00025%); highest among the groups gnomAD compares: Non-Finnish European, 0.00034%; no homozygotes.

Submission:

PreventionGenetics, part of Exact Sciences
Classification: Uncertain significance for PLXNA1-related condition. Last evaluated: 2023-12-21. Review status: no assertion criteria provided. Collection method: clinical testing. Allele origin: germline.
Comment: The PLXNA1 c.2578C>T variant is predicted to result in the amino acid substitution p.Arg860Cys. To our knowledge, this variant has not been reported in the literature or in a large population database, indicating this variant is rare. At this time, the clinical significance of this variant is uncertain due to the absence of conclusive functional and genetic evidence.